The following is an entry in ClinVar:

ClinVar aggregate classification (germline): Likely benign. Review status: criteria provided, multiple submitters, no conflicts (2 of 4 stars). 2 submissions from 2 submitters: Likely benign (2). Last evaluated 2025-08-06.

Conditions:
Meckel-Gruber syndrome. Also called: DYSENCEPHALIA SPLANCHNOCYSTICA; GRUBER SYNDROME; Dysencephalia splachnocystica. Identifiers: Orphanet 564, MedGen C0265215, MONDO:0018921.
Joubert syndrome. Also called: JOUBERT-BOLTSHAUSER SYNDROME; Familial aplasia of the vermis. Identifiers: Orphanet 475, MedGen C5979921, MONDO:0018772.
MKS1-related disorder. Also called: MKS1-related disorders; MKS1-related condition. Identifiers: MedGen CN239382.

Allele frequency attached by ClinVar (database versions not stated): gnomAD exomes below 0.00001.

Submissions (2):

PreventionGenetics, part of Exact Sciences
Classification: Likely benign for MKS1-related condition. Last evaluated: 2025-08-06. Review status: criteria provided, single submitter. Criteria: ACMG Guidelines, 2015. Collection method: clinical testing. Allele origin: germline.
Comment: This variant is classified as likely benign based on ACMG/AMP sequence variant interpretation guidelines (Richards et al. 2015 PMID: 25741868, with internal and published modifications).

Labcorp Genetics (formerly Invitae), Labcorp
Classification: Likely benign for Joubert syndrome; Meckel-Gruber syndrome. Last evaluated: 2021-12-17. Review status: criteria provided, single submitter. Criteria: Invitae Variant Classification Sherloc (09022015). Collection method: clinical testing. Allele origin: germline.

NM_017777.4(MKS1):c.222G>A (p.Glu74=)

Gene: MKS1 (MKS transition zone complex subunit 1; minus strand). Cytogenetic location: 17q22.
Variant type: single nucleotide variant.
Coding change: c.222G>A on transcript NM_017777.4 (MANE Select); coding-DNA position 222, G replaced by A.
Protein change: p.Glu74=; no amino-acid change (glutamic acid 74 retained).
Molecular consequence: synonymous variant. On other transcripts: 5 prime UTR variant (1).
Genome position (GRCh38, 1-based): chr17:58,216,705, C>T on the plus strand (G>A on the coding strand, the complement: MKS1 is on the minus strand). VCF-style: chr17-58216705-C-T. GRCh37 (hg19) VCF-style: chr17-56294066-C-T.
Other names: c.-290G>A (NM_001321268.2); c.222G>A, p.Glu74= (NM_001321269.2, NM_001330397.2, NM_001411113.1).
Identifiers: ClinVar variation 2179525 (VCV002179525.5), dbSNP rs2509457630, ClinGen allele CA501036825.
Genomic context (GRCh38, chr17:58,216,705, plus strand): 5'-AGACAAGAGACACTGGCTCACCTGGCTAAAGAGCTTCTCCTGCCACCCAATCACAATCTC[C>T]TCCTCTTCGTCTTCCTCTGGGCGGTGTCCACCTCCAAAGACAACAGAGTGAATCAAATGC-3'
Protein context (NP_060247.2, residues 64-84): SGHRPEEDEE[Glu74=]EIVIGWQEKL